The following is an entry in ClinVar:

NM_001018115.3(FANCD2):c.2138del (p.Gly713fs)

Genes: FANCD2 (FA complementation group D2; plus strand), LOC107303338 (3p25 FANCD2 Alu-mediated recombination region; plus strand). Cytogenetic location: 3p25.3.
Variant type: Deletion.
Coding change: c.2138del on transcript NM_001018115.3 (MANE Select); coding-DNA position 2138, one base deleted (G; older notation c.2138delG).
Protein change: p.Gly713fs; shifts the reading frame from glycine 713.
Molecular consequence: frameshift variant.
Genome position (GRCh38, 1-based): chr3:10,064,845, G deleted; the last of 5 consecutive G bases (chr3:10,064,841-10,064,845); deleting any one gives the same sequence. VCF-style (leftmost placement, unchanged base first): chr3-10064840-TG-T. GRCh37 (hg19) VCF-style: chr3-10106524-TG-T.
Other names: c.2138del, p.Gly713fs (NM_001319984.2, NM_001374254.1, NM_033084.6); c.2027del, p.Gly676fs (NM_001374253.1); short protein forms G676fs, G713fs.
Identifiers: ClinVar variation 2730933 (VCV002730933.3), dbSNP rs2125035374, ClinGen allele CA2697550655.

ClinVar aggregate classification (germline): Pathogenic (1 of 4 stars; one submission).

Conditions:
Fanconi anemia (FA). Also called: Fanconi's anemia. Identifiers: Orphanet 84, MedGen C0015625, MeSH D005199, MONDO:0019391.

Submission:

Labcorp Genetics (formerly Invitae), Labcorp
Classification: Pathogenic for Fanconi anemia. Last evaluated: 2023-05-10. Review status: criteria provided, single submitter. Criteria: Invitae Variant Classification Sherloc (09022015). Collection method: clinical testing. Allele origin: germline.
Comment: For these reasons, this variant has been classified as Pathogenic. This variant has not been reported in the literature in individuals affected with FANCD2-related conditions. This variant is not present in population databases (gnomAD no frequency). This sequence change creates a premature translational stop signal (p.Gly713Valfs*3) in the FANCD2 gene. It is expected to result in an absent or disrupted protein product. Loss-of-function variants in FANCD2 are known to be pathogenic (PMID: 17436244).

Literature cited by the submitters: PubMed 17436244.